The following is an entry in ClinVar:

ClinVar aggregate classification (germline): Likely pathogenic (1 of 4 stars; one submission).

Submission:

GeneDx
Classification: Likely pathogenic. Last evaluated: 2014-09-17. Review status: criteria provided, single submitter. Criteria: GeneDx Variant Classification (06012015). Collection method: clinical testing. Allele origin: germline. Affected: yes.
Comment: p.Ser297Arg (AGC>AGG): c.891 C>G in exon 10 of the GABRA1 gene (NM_000806.5). The S297R variant has not been published as a mutation, nor has it been reported as a benign polymorphism to our knowledge. It was not observed in approximately 6,500 individuals of European and African American ancestry in the NHLBI Exome Sequencing Project, indicating it is not a common benign variant in these populations. The S297R variant is a semi-conservative amino acid substitution, which may impact secondary protein structure as these residues differ in some properties. This substitution alters a highly conserved position in the predicted second transmembrane domain of the GABRA1 protein. Additionally, another missense mutation in a nearby residue (K306T) has been reported in association with Dravet syndrome, and other missense mutations in nearby residues (T294I and T295I) have been reported as de novo mutations in individuals with epilepsy, supporting the functional importance of this region of the protein. In silico analysis predicts S297R is probably damaging to the protein structure/function. Therefore, this variant is a strong candidate for a pathogenic mutation, however the possibility that it is a benign variant cannot be excluded. The variant is found in RETT-EPI panel(s).

NM_001127644.2(GABRA1):c.891C>G (p.Ser297Arg)

Gene: GABRA1 (gamma-aminobutyric acid type A receptor subunit alpha1; plus strand). Cytogenetic location: 5q34.
Variant type: single nucleotide variant.
Coding change: c.891C>G on transcript NM_001127644.2 (MANE Select); coding-DNA position 891, C replaced by G.
Protein change: p.Ser297Arg; replaces serine 297 with arginine.
Molecular consequence: missense variant.
Genome position (GRCh38, 1-based): chr5:161,895,700, C>G. VCF-style: chr5-161895700-C-G. GRCh37 (hg19) VCF-style: chr5-161322706-C-G.
Other names: p.S297R:AGC>AGG; c.891C>G, p.Ser297Arg (NM_000806.5, NM_001127643.2, NM_001127645.2 and 1 more transcripts); short protein forms S297R.
Identifiers: ClinVar variation 205526 (VCV000205526.2), dbSNP rs796052497, ClinGen allele CA314682.